The following is an entry in ClinVar:

NM_030958.3(SLCO5A1):c.1399G>A (p.Ala467Thr)

Gene: SLCO5A1 (solute carrier organic anion transporter family member 5A1; minus strand). Cytogenetic location: 8q13.3.
Variant type: single nucleotide variant.
Coding change: c.1399G>A on transcript NM_030958.3 (MANE Select); coding-DNA position 1399, G replaced by A.
Protein change: p.Ala467Thr; replaces alanine 467 with threonine.
Molecular consequence: missense variant. On other transcripts: intron variant (1).
Genome position (GRCh38, 1-based): chr8:69,738,064, C>T on the plus strand (G>A on the coding strand, the complement: SLCO5A1 is on the minus strand). VCF-style: chr8-69738064-C-T. GRCh37 (hg19) VCF-style: chr8-70650299-C-T.
Other names: c.1399G>A, p.Ala467Thr (NM_001146008.2); c.1258+17360G>A (NM_001146009.1); short protein forms A467T.
Identifiers: ClinVar variation 2150400 (VCV002150400.4), dbSNP rs150726617, ClinGen allele CA4776598.

ClinVar aggregate classification (germline): Uncertain significance (1 of 4 stars; one submission).

Allele frequency attached by ClinVar (database versions not stated): gnomAD 0.00003; TOPMed 0.00003; ExAC 0.00004; gnomAD exomes 0.00005; ESP Exome Variant Server 0.00008.
gnomAD v4.1: 75 of 1,612,300 alleles (0.0047%); highest among the groups gnomAD compares: Non-Finnish European, 0.0059%; no homozygotes.

Submission:

Labcorp Genetics (formerly Invitae), Labcorp
Classification: Uncertain significance. Last evaluated: 2024-11-06. Review status: criteria provided, single submitter. Criteria: Invitae Variant Classification Sherloc (09022015). Collection method: clinical testing. Allele origin: germline.
Comment: This sequence change replaces alanine, which is neutral and non-polar, with threonine, which is neutral and polar, at codon 467 of the SLCO5A1 protein (p.Ala467Thr). This variant is present in population databases (rs150726617, gnomAD 0.006%). This variant has not been reported in the literature in individuals affected with SLCO5A1-related conditions. ClinVar contains an entry for this variant (Variation ID: 2150400). An algorithm developed to predict the effect of missense changes on protein structure and function (PolyPhen-2) suggests that this variant is likely to be disruptive. In summary, the available evidence is currently insufficient to determine the role of this variant in disease. Therefore, it has been classified as a Variant of Uncertain Significance.